The following is an entry in ClinVar:

NM_000179.3(MSH6):c.1289G>T (p.Gly430Val)

Gene: MSH6 (mutS homolog 6; plus strand). Cytogenetic location: 2p16.3.
Variant type: single nucleotide variant.
Coding change: c.1289G>T on transcript NM_000179.3 (MANE Select); coding-DNA position 1289, G replaced by T.
Protein change: p.Gly430Val; replaces glycine 430 with valine.
Molecular consequence: missense variant.
Genome position (GRCh38, 1-based): chr2:47,799,272, G>T. VCF-style: chr2-47799272-G-T. GRCh37 (hg19) VCF-style: chr2-48026411-G-T.
Other names: c.899G>T, p.Gly300Val (NM_001281492.2); c.383G>T, p.Gly128Val (NM_001281493.2, NM_001281494.2); short protein forms G430V, G128V, G300V.
Identifiers: ClinVar variation 428353 (VCV000428353.3), dbSNP rs1114167737, ClinGen allele CA346744179.
Genomic context (GRCh38, chr2:47,799,272, plus strand): 5'-TGAGGAAGTGGTGGCAGATTAAGTCTCAGAACTTTGATCTTGTCATCTGTTACAAGGTGG[G>T]GAAATTTTATGAGCTGTACCACATGGATGCTCTTATTGGAGTCAGTGAACTGGGGCTGGT-3'
Protein context (NP_000170.1, residues 420-440): NFDLVICYKV[Gly430Val]KFYELYHMDA

ClinVar aggregate classification (germline): Uncertain significance (1 of 4 stars; one submission).

Conditions:
Hereditary cancer-predisposing syndrome. Also called: Hereditary Cancer Syndrome; Neoplastic Syndromes, Hereditary; Hereditary neoplastic syndrome; Tumor predisposition. Identifiers: Orphanet 140162, MedGen C0027672, MeSH D009386, MONDO:0015356.

Submission:

Ambry Genetics
Classification: Uncertain significance for Hereditary cancer-predisposing syndrome. Last evaluated: 2014-03-04. Review status: criteria provided, single submitter. Criteria: Ambry Autosomal Dominant and X-Linked criteria (10/2015). Collection method: clinical testing. Allele origin: germline. Observed: 1 variant allele.
Comment: The p.G430V variant (also known as c.1289G>T), located in coding exon 4 of the MSH6 gene, results from a G to T substitution at nucleotide position 1289. The glycine at codon 430 is replaced by valine, an amino acid with dissimilar properties. This variant was not reported in population based cohorts in the following databases: Database of Single Nucleotide Polymorphisms (dbSNP), NHLBI Exome Sequencing Project (ESP), and 1000 Genomes Project.To date, this alteration has been detected with an allele frequency of approximately 0.01% (greater than 12000 alleles tested) in our clinical cohort (includes this individual).This amino acid position is highly conserved in available vertebrate species. In addition, this alteration is predicted to be deleterious by in silico analysis.Since supporting evidence is limited at this time, the clinical significance ofp.G430Vremains unclear.